The following is an entry in ClinVar:

NM_017752.3(TBC1D8B):c.1806G>A (p.Met602Ile)

Gene: TBC1D8B (TBC1 domain family member 8B; plus strand). Cytogenetic location: Xq22.3.
Variant type: single nucleotide variant.
Coding change: c.1806G>A on transcript NM_017752.3 (MANE Select); coding-DNA position 1806, G replaced by A.
Protein change: p.Met602Ile; replaces methionine 602 with isoleucine.
Molecular consequence: missense variant.
Genome position (GRCh38, 1-based): chrX:106,848,272, G>A. VCF-style: chrX-106848272-G-A. GRCh37 (hg19) VCF-style: chrX-106091502-G-A.
Other names: c.1806G>A, p.Met602Ile (NM_198881.2); short protein forms M602I.
Identifiers: ClinVar variation 2203941 (VCV002203941.3), dbSNP rs755544165, ClinGen allele CA10483211.

ClinVar aggregate classification (germline): Uncertain significance. Review status: criteria provided, multiple submitters, no conflicts (2 of 4 stars). 2 submissions from 2 submitters: Uncertain significance (2). Last evaluated 2025-08-30.

Allele frequency attached by ClinVar (database versions not stated): TOPMed 0.00001; gnomAD exomes 0.00002; ExAC 0.00005.
gnomAD v4.1: 10 of 1,189,342 alleles (0.00084%); highest among the groups gnomAD compares: Admixed American, 0.022%; no homozygotes.

Submissions (2):

Labcorp Genetics (formerly Invitae), Labcorp
Classification: Uncertain significance. Last evaluated: 2025-08-30. Review status: criteria provided, single submitter. Criteria: Invitae Variant Classification Sherloc (09022015). Collection method: clinical testing. Allele origin: germline.
Comment: This sequence change replaces methionine, which is neutral and non-polar, with isoleucine, which is neutral and non-polar, at codon 602 of the TBC1D8B protein (p.Met602Ile). This variant is present in population databases (rs755544165, gnomAD 0.03%). This variant has not been reported in the literature in individuals affected with TBC1D8B-related conditions. ClinVar contains an entry for this variant (Variation ID: 2203941). An algorithm developed to predict the effect of missense changes on protein structure and function (PolyPhen-2) suggests that this variant is likely to be disruptive. In summary, the available evidence is currently insufficient to determine the role of this variant in disease. Therefore, it has been classified as a Variant of Uncertain Significance.

Ambry Genetics
Classification: Uncertain significance. Last evaluated: 2021-08-12. Review status: criteria provided, single submitter. Criteria: Ambry Variant Classification Scheme 2023. Collection method: clinical testing. Allele origin: germline.